The following is an entry in ClinVar:

NM_002691.4(POLD1):c.1352T>C (p.Met451Thr)

Gene: POLD1 (DNA polymerase delta 1, catalytic subunit; plus strand). Cytogenetic location: 19q13.33.
Variant type: single nucleotide variant.
Coding change: c.1352T>C on transcript NM_002691.4 (MANE Select); coding-DNA position 1352, T replaced by C.
Protein change: p.Met451Thr; replaces methionine 451 with threonine.
Molecular consequence: missense variant. On other transcripts: non-coding transcript variant (1).
Genome position (GRCh38, 1-based): chr19:50,406,291, T>C. VCF-style: chr19-50406291-T-C. GRCh37 (hg19) VCF-style: chr19-50909548-T-C.
Other names: c.1352T>C, p.Met451Thr (NM_001256849.1, NM_001308632.1); short protein forms M451T.
Identifiers: ClinVar variation 1372560 (VCV001372560.8), dbSNP rs2122320747, ClinGen allele CA406979931.

ClinVar aggregate classification (germline): Uncertain significance (1 of 4 stars; one submission).

Conditions:
POLD1-related polyposis and colorectal cancer syndrome (CRCS10). Also called: Colorectal cancer, susceptibility to, 10; Colorectal cancer 10; COLORECTAL CANCER, SUSCEPTIBILITY TO, ON CHROMOSOME 19q. Identifiers: Orphanet 220460, MedGen C2675481, MONDO:0012953, OMIM 612591.

Allele frequency attached by ClinVar (database versions not stated): gnomAD exomes below 0.00001.
gnomAD v4.1: 1 of 1,614,006 alleles (0.000062%); highest among the groups gnomAD compares: Non-Finnish European, 0.000085%; no homozygotes.

Submission:

Labcorp Genetics (formerly Invitae), Labcorp
Classification: Uncertain significance for POLD1-related polyposis and colorectal cancer syndrome. Last evaluated: 2021-03-09. Review status: criteria provided, single submitter. Criteria: Invitae Variant Classification Sherloc (09022015). Collection method: clinical testing. Allele origin: germline.
Comment: This sequence change replaces methionine with threonine at codon 451 of the POLD1 protein (p.Met451Thr). The methionine residue is moderately conserved and there is a moderate physicochemical difference between methionine and threonine. This variant is not present in population databases (ExAC no frequency). This variant has not been reported in the literature in individuals with POLD1-related conditions. Algorithms developed to predict the effect of missense changes on protein structure and function (SIFT, PolyPhen-2, Align-GVGD) all suggest that this variant is likely to be tolerated, but these predictions have not been confirmed by published functional studies and their clinical significance is uncertain. In summary, the available evidence is currently insufficient to determine the role of this variant in disease. Therefore, it has been classified as a Variant of Uncertain Significance.